The following is an entry in ClinVar:

NM_024675.4(PALB2):c.2935A>G (p.Ser979Gly)

Gene: PALB2 (partner and localizer of BRCA2; minus strand). Cytogenetic location: 16p12.2.
Variant type: single nucleotide variant.
Coding change: c.2935A>G on transcript NM_024675.4 (MANE Select); coding-DNA position 2935, A replaced by G.
Protein change: p.Ser979Gly; replaces serine 979 with glycine.
Molecular consequence: missense variant. On other transcripts: intron variant (1).
Genome position (GRCh38, 1-based): chr16:23,623,030, T>C on the plus strand (A>G on the coding strand, the complement: PALB2 is on the minus strand). VCF-style: chr16-23623030-T-C. GRCh37 (hg19) VCF-style: chr16-23634351-T-C.
Other names: c.2875A>G, p.Ser959Gly (NM_001407296.1); c.2863A>G, p.Ser955Gly (NM_001407297.1); c.2773A>G, p.Ser925Gly (NM_001407298.1, NM_001407302.1); c.2935A>G, p.Ser979Gly (NM_001407299.1, NM_001407301.1); c.2050A>G, p.Ser684Gly (NM_001407304.1, NM_001407305.1, NM_001407306.1 and 4 more transcripts); c.1888A>G, p.Ser630Gly (NM_001407307.1); c.1147A>G, p.Ser383Gly (NM_001407312.1, NM_001407313.1); c.469A>G, p.Ser157Gly (NM_001407314.1); and 1 more; short protein forms S157G, S383G, S630G, S684G, S925G, S955G, S959G, S979G.
Identifiers: ClinVar variation 4861495 (VCV004861495.1).
Genomic context (GRCh38, chr16:23,623,030, plus strand): 5'-CTCCATCTTCTGCAAACGTCATGACTTCTACTTGTTGATCAGAAAGGGTCCCACTGCTAC[T>C]AACTAGCCTCCTCTTTGTCAGGCCAAGCACAGCTTTTATATTTCCAGACTTCAGTAGTAC-3'
Protein context (NP_078951.2, residues 969-989): VLGLTKRRLV[Ser979Gly]SSGTLSDQQV

ClinVar aggregate classification (germline): Uncertain significance (1 of 4 stars; one submission).

Conditions:
Hereditary cancer-predisposing syndrome. Also called: Neoplastic Syndromes, Hereditary; Tumor predisposition; Hereditary Cancer Syndrome; Hereditary neoplastic syndrome. Identifiers: Orphanet 140162, MedGen C0027672, MeSH D009386, MONDO:0015356.

gnomAD v4.1: 1 of 1,614,186 alleles (0.000062%); highest among the groups gnomAD compares: Non-Finnish European, 0.000085%; no homozygotes.

Submission:

Ambry Genetics
Classification: Uncertain significance for Hereditary cancer-predisposing syndrome. Last evaluated: 2026-05-02. Review status: criteria provided, single submitter. Criteria: Ambry Variant Classification Scheme 2023. Collection method: clinical testing. Allele origin: germline.
Comment: The p.S979G variant (also known as c.2935A>G), located in coding exon 9 of the PALB2 gene, results from an A to G substitution at nucleotide position 2935. The serine at codon 979 is replaced by glycine, an amino acid with similar properties. This amino acid position is conserved. In addition, this alteration is predicted to be tolerated by in silico analysis. Based on the available evidence, the clinical significance of this variant remains unclear.